The following is an entry in ClinVar:

ClinVar aggregate classification (germline): Uncertain significance. Review status: criteria provided, multiple submitters, no conflicts (2 of 4 stars). 3 submissions from 3 submitters: Uncertain significance (3). Last evaluated 2025-12-03.

Conditions:
Lethal multiple pterygium syndrome (LMPS). Identifiers: Orphanet 33108, MedGen C1854678, MONDO:0009668, OMIM 253290.
Inborn genetic diseases. Identifiers: MedGen C0950123, MeSH D030342.
Congenital myasthenic syndrome 3B (CMS3B). Also called: Myasthenic syndrome, congenital, 3B, fast-channel. Identifiers: Orphanet 590, MedGen C4225371, MONDO:0014584, OMIM 616322.

Allele frequency attached by ClinVar (database versions not stated): ExAC 0.00002; gnomAD exomes 0.00002; gnomAD 0.00005 and 0.00006; TOPMed 0.00006; ESP Exome Variant Server 0.00015.

Submissions (3):

Labcorp Genetics (formerly Invitae), Labcorp
Classification: Uncertain significance for Lethal multiple pterygium syndrome. Last evaluated: 2025-12-03. Review status: criteria provided, single submitter. Criteria: Invitae Variant Classification Sherloc (09022015). Collection method: clinical testing. Allele origin: germline.
Comment: This sequence change replaces arginine, which is basic and polar, with cysteine, which is neutral and slightly polar, at codon 233 of the CHRND protein (p.Arg233Cys). This variant is present in population databases (rs144063384, gnomAD 0.008%). This missense change has been observed in individual(s) with congenital myasthenic syndrome (PMID: 34791078). ClinVar contains an entry for this variant (Variation ID: 534528). Invitae Evidence Modeling of protein sequence and biophysical properties (such as structural, functional, and spatial information, amino acid conservation, physicochemical variation, residue mobility, and thermodynamic stability) indicates that this missense variant is not expected to disrupt CHRND protein function with a negative predictive value of 95%. In summary, the available evidence is currently insufficient to determine the role of this variant in disease. Therefore, it has been classified as a Variant of Uncertain Significance.

Ambry Genetics
Classification: Uncertain significance for Inborn genetic diseases. Last evaluated: 2022-08-17. Review status: criteria provided, single submitter. Criteria: Ambry Variant Classification Scheme 2023. Collection method: clinical testing. Allele origin: germline.

Broad Center for Mendelian Genomics, Broad Institute of MIT and Harvard
Classification: Uncertain significance for Congenital myasthenic syndrome 3B. Last evaluated: 2022-05-04. Review status: criteria provided, single submitter. Criteria: ACMG Guidelines, 2015. Collection method: curation. Allele origin: germline. Inheritance: Autosomal recessive inheritance.
Comment: The variant has not been previously reported in individuals with congenital myasthenic syndrome 3B but has been identified in 0.008% (2/24960) of African chromosomes by the Genome Aggregation Database (gnomAD; dbSNP ID: rs144063384). Although this variant has been seen in the general population, its frequency is low enough to be consistent with a recessive carrier frequency. This variant has also been reported in ClinVar (Variation ID: 534528) as having uncertain significance by Invitae. Computational prediction tools and conservation analyses do not provide strong support for or against an impact to the protein. In summary, the clinical significance of the p.Arg233Cys variant is uncertain. ACMG/AMP Criteria applied: PM2, PM3_supporting (Richards 2015).

Literature cited by the submitters: PubMed 34791078 (cited by Labcorp Genetics (formerly Invitae), Labcorp).

NM_000751.3(CHRND):c.697C>T (p.Arg233Cys)

Gene: CHRND (cholinergic receptor nicotinic delta subunit; plus strand). Cytogenetic location: 2q37.1.
Variant type: single nucleotide variant.
Coding change: c.697C>T on transcript NM_000751.3 (MANE Select); coding-DNA position 697, C replaced by T.
Protein change: p.Arg233Cys; replaces arginine 233 with cysteine.
Molecular consequence: missense variant. On other transcripts: intron variant (1).
Genome position (GRCh38, 1-based): chr2:232,530,016, C>T. VCF-style: chr2-232530016-C-T. GRCh37 (hg19) VCF-style: chr2-233394726-C-T.
Other names: NM_000751.3(CHRND):c.697C>T; p.Arg233Cys; c.652C>T, p.Arg218Cys (NM_001256657.2); c.394C>T, p.Arg132Cys (NM_001311196.2); c.239-1336C>T (NM_001311195.2); c.697C>T (NM_000751.1); short protein forms R233C, R132C, R218C.
Identifiers: ClinVar variation 534528 (VCV000534528.11), dbSNP rs144063384, ClinGen allele CA2168119.